The following is an entry in ClinVar:

ClinVar aggregate classification (germline): Uncertain significance. Review status: criteria provided, single submitter (1 of 4 stars). 2 submissions from 2 submitters: Uncertain significance (1). 1 of the submissions does not count toward it. Last evaluated 2017-12-28.

Conditions:
EHHADH-related disorder. Also called: EHHADH-related condition.

Allele frequency attached by ClinVar (database versions not stated): ExAC 0.00004; gnomAD exomes 0.00004 and 0.00007; ESP Exome Variant Server 0.00008; gnomAD 0.00011; TOPMed 0.00017.
gnomAD v4.1: 123 of 1,613,856 alleles (0.0076%); highest among the groups gnomAD compares: Admixed American, 0.027%; no homozygotes.

Submissions (2):

Eurofins Ntd Llc (ga)
Classification: Uncertain significance. Last evaluated: 2017-12-28. Review status: criteria provided, single submitter. Criteria: EGL Classification Definitions 2015. Collection method: clinical testing. Allele origin: germline. Observed: 1 variant allele, 1 heterozygote.

PreventionGenetics, part of Exact Sciences
Classification: Likely benign for EHHADH-related condition. Last evaluated: 2022-08-26. Review status: no assertion criteria provided. Collection method: clinical testing. Allele origin: germline. Not counted in ClinVar's aggregate classification.
Comment: This variant is classified as likely benign based on ACMG/AMP sequence variant interpretation guidelines (Richards et al. 2015 PMID: 25741868, with internal and published modifications).

NM_001966.4(EHHADH):c.621C>G (p.Pro207=)

Gene: EHHADH (enoyl-CoA hydratase and 3-hydroxyacyl CoA dehydrogenase; minus strand). Cytogenetic location: 3q27.2.
Variant type: single nucleotide variant.
Coding change: c.621C>G on transcript NM_001966.4 (MANE Select); coding-DNA position 621, C replaced by G.
Protein change: p.Pro207=; no amino-acid change (proline 207 retained).
Molecular consequence: synonymous variant.
Genome position (GRCh38, 1-based): chr3:185,204,705, G>C on the plus strand (C>G on the coding strand, the complement: EHHADH is on the minus strand). VCF-style: chr3-185204705-G-C. GRCh37 (hg19) VCF-style: chr3-184922493-G-C.
Other names: c.333C>G, p.Pro111= (NM_001166415.2); c.621C>G (NM_001966.3).
Identifiers: ClinVar variation 595626 (VCV000595626.7), dbSNP rs139788883, ClinGen allele CA2739162.
Genomic context (GRCh38, chr3:185,204,705, plus strand): 5'-ACACCCAGGGTGCTGCCTCCGCATCTTCAAGAGGGCCTCACTAAAAATGCTGTCCATGTT[G>C]GGCAAGCTCTGAATTGGCTTGTTGCAGAGTCTACGGGATTCTAGAGGTTGATCTGAAAGG-3'
Protein context (NP_001957.2, residues 197-217): RLCNKPIQSL[Pro207=]NMDSIFSEAL